The following is an entry in ClinVar:

NM_003742.4(ABCB11):c.2296G>A (p.Gly766Arg)

Gene: ABCB11 (ATP binding cassette subfamily B member 11; minus strand). Cytogenetic location: 2q31.1.
Variant type: single nucleotide variant.
Coding change: c.2296G>A on transcript NM_003742.4 (MANE Select); coding-DNA position 2296, G replaced by A.
Protein change: p.Gly766Arg; replaces glycine 766 with arginine.
Molecular consequence: missense variant.
Genome position (GRCh38, 1-based): chr2:168,958,011, C>T on the plus strand (G>A on the coding strand, the complement: ABCB11 is on the minus strand). VCF-style: chr2-168958011-C-T. GRCh37 (hg19) VCF-style: chr2-169814521-C-T.
Other names: c.2296G>A, p.Gly766Arg (LRG_1199t1); c.2296G>A (NM_003742.2); short protein forms G766R.
Identifiers: ClinVar variation 290133 (VCV000290133.21), dbSNP rs763782349, ClinGen allele CA1951315.
Genomic context (GRCh38, chr2:168,958,011, plus strand): 5'-GCTGTGTACTTACCCCAAGAATCTGGCTGAATAAAAAGGCATACAAGGGTGTGACTGTCC[C>T]GTTCACAGCTGCACCCACAGACCCTACCAGCATGTAGGGCCATTCTGGAGCACTGAATTT-3'
Protein context (NP_003733.2, residues 756-776): LVGSVGAAVN[Gly766Arg]TVTPLYAFLF

ClinVar aggregate classification (germline): Pathogenic/Likely pathogenic. Review status: criteria provided, multiple submitters, no conflicts (2 of 4 stars). 10 submissions from 10 submitters: Pathogenic (8); Likely pathogenic (1). 1 of the submissions does not count toward it. Last evaluated 2026-04-14.

Conditions:
Familial intrahepatic cholestasis. Identifiers: Orphanet 284385, MedGen CN296401, MONDO:0017290.
Progressive familial intrahepatic cholestasis (PFIC). Also called: Progressive family intrahepatic cholestasis; Progressive intrahepatic cholestasis. Identifiers: Orphanet 172, MedGen C0268312, MONDO:0015762.
Progressive familial intrahepatic cholestasis type 2. Identifiers: Orphanet 79304, MedGen C3489789, MONDO:0011156, OMIM 601847.
ABCB11-related disorder. Also called: ABCB11-related condition.
Benign recurrent intrahepatic cholestasis type 2 (BRIC2). Also called: Recurrent familial intrahepatic cholestasis 2. Identifiers: Orphanet 65682, Orphanet 99961, MedGen C2608083, MONDO:0011559, OMIM 605479.

Allele frequency attached by ClinVar (database versions not stated): gnomAD exomes 0.00001 and 0.00003; ExAC 0.00002; TOPMed 0.00002.
gnomAD v4.1: 7 of 1,609,094 alleles (0.00044%); highest among the groups gnomAD compares: Admixed American, 0.01%; no homozygotes.

Submissions (10):

Genomenon, Inc
Classification: Likely pathogenic for Familial intrahepatic cholestasis. Last evaluated: 2026-04-14. Review status: criteria provided, single submitter. Criteria: Genomenon Sequence Variant Interpretation Standards - Updated. Collection method: curation. Allele origin: germline. Affected: yes.
Comment: ABCB11 p.Gly766Arg (c.2296G>A) is a missense variant that changes the amino acid at residue 766 from Glycine to Arginine. This variant has been observed in at least one proband with an ABCB11-related disorder (PMID:35780807;28733223;27239116;18395098;21490445). The variant was found to segregate with disease in at least one affected family (PMID:21490445). It is absent or not present at a significant frequency in gnomAD. In silico models predict that this variant is possibly or probably damaging. In conclusion, we classify ABCB11 p.Gly766Arg (c.2296G>A) as a likely pathogenic variant.

Labcorp Genetics (formerly Invitae), Labcorp
Classification: Pathogenic. Last evaluated: 2025-03-16. Review status: criteria provided, single submitter. Criteria: Invitae Variant Classification Sherloc (09022015). Collection method: clinical testing. Allele origin: germline.
Comment: This sequence change replaces glycine, which is neutral and non-polar, with arginine, which is basic and polar, at codon 766 of the ABCB11 protein (p.Gly766Arg). This variant is present in population databases (rs763782349, gnomAD 0.02%). This missense change has been observed in individuals with clinical features of progressive familial intrahepatic cholestasis (PMID: 18395098, 21490445, 28733223). This gene is also known as BSEP. ClinVar contains an entry for this variant (Variation ID: 290133). Invitae Evidence Modeling of protein sequence and biophysical properties (such as structural, functional, and spatial information, amino acid conservation, physicochemical variation, residue mobility, and thermodynamic stability) indicates that this missense variant is expected to disrupt ABCB11 protein function with a positive predictive value of 95%. For these reasons, this variant has been classified as Pathogenic.

Natera, Inc.
Classification: Pathogenic for Progressive familial intrahepatic cholestasis type 2. Last evaluated: 2025-03-10. Review status: criteria provided, single submitter. Criteria: Natera Variant Classification Schema (03/2026). Collection method: clinical testing. Allele origin: germline.
Comment: The c.2296G>A variant in ABCB11 is a missense variant predicted to cause substitution of glycine to arginine at amino acid 766. This variant is rare in the general population with a frequency below the threshold expected for the associated phenotype(s). This variant has been observed in one or more individuals affected with the associated recessive disease, as either homozygous or compound heterozygous with a second variant (PMID: 18395098, 25383786, 35780807, 21490445). Additionally, this variant has been observed to segregate in affected family members (PMID: 21490445). Computational prediction algorithms indicate this variant is likely to affect gene or protein function. Given the available evidence, this variant is classified as Pathogenic.

Genomic Medicine Center of Excellence, King Faisal Specialist Hospital and Research Centre
Classification: Pathogenic for Progressive familial intrahepatic cholestasis type 2. Last evaluated: 2024-03-17. Review status: criteria provided, single submitter. Criteria: ACMG Guidelines, 2015. Collection method: research. Allele origin: germline.

Baylor Genetics
Classification: Pathogenic for Benign recurrent intrahepatic cholestasis type 2. Last evaluated: 2023-10-17. Review status: criteria provided, single submitter. Criteria: ACMG Guidelines, 2015. Collection method: clinical testing. Allele origin: unknown.

Women's Health and Genetics/Laboratory Corporation of America, LabCorp
Classification: Pathogenic for Progressive familial intrahepatic cholestasis. Last evaluated: 2023-08-30. Review status: criteria provided, single submitter. Criteria: LabCorp Variant Classification Summary - May 2015. Collection method: clinical testing. Allele origin: germline.
Comment: Variant summary: ABCB11 c.2296G>A (p.Gly766Arg) results in a non-conservative amino acid change to a highly conserved residue (HGMD) located in the ABC transporter type 1, transmembrane domain (IPR011527) of the encoded protein sequence. Five of five in-silico tools predict a damaging effect of the variant on protein function. The variant allele was found at a frequency of 2.8e-05 in 247288 control chromosomes (gnomAD). c.2296G>A has been reported in the literature in multiple individuals affected with Familial Intrahepatic Cholestasis (Strautnieks_2008, Evason_2011, Droge_2017, Hertel_2021), and some were reported as compound heterozygous with other pathogenic variants. These data indicate that the variant is very likely to be associated with disease. The following publications have been ascertained in the context of this evaluation (PMID: 18395098, 21490445, 28733223, 34016879). Three submitters have cited clinical-significance assessments for this variant to ClinVar after 2014. All submitters classified the variant as pathogenic/likely pathogenic. Based on the evidence outlined above, the variant was classified as pathogenic.

Blueprint Genetics
Classification: Pathogenic for ABCB11-related disorders. Last evaluated: 2023-04-19. Review status: criteria provided, single submitter. Criteria: ACMG Guidelines, 2015. Collection method: clinical testing. Allele origin: germline. Affected: yes. Observed: 1 variant allele.

Rolfs Rare Disease Consulting, Rolfs Consulting Und Verwaltungs GmbH
Classification: Pathogenic for Progressive familial intrahepatic cholestasis type 2. Last evaluated: 2021-01-01. Review status: criteria provided, single submitter. Criteria: ACMG Guidelines, 2015. Collection method: clinical testing. Allele origin: germline. Affected: yes.

Eurofins Ntd Llc (ga)
Classification: Pathogenic. Last evaluated: 2017-04-14. Review status: criteria provided, single submitter. Criteria: EGL Classification Definitions 2015. Collection method: clinical testing. Allele origin: germline. Observed: 5 variant alleles, 2 heterozygotes, 3 homozygotes.

PreventionGenetics, part of Exact Sciences
Classification: Pathogenic for ABCB11-related condition. Last evaluated: 2024-06-19. Review status: no assertion criteria provided. Collection method: clinical testing. Allele origin: germline. Not counted in ClinVar's aggregate classification.
Comment: The ABCB11 c.2296G>A variant is predicted to result in the amino acid substitution p.Gly766Arg. This variant has been reported in the homozygous, heterozygous, and compound heterozygous state in multiple unrelated patients affected with progressive familial intrahepatic cholestasis (Strautnieks et al. 2008. PubMed ID: 18395098; Evason et al. 2011. PubMed ID: 21490445; Park et al. 2016. PubMed ID: 27239116; Dröge et al. 2017. PubMed ID: 28733223). This variant is reported in 0.020% of alleles in individuals of Latino descent in gnomAD. This variant is interpreted as pathogenic.

Literature cited by the submitters: PubMed 35780807 (cited by Genomenon, Inc and Natera, Inc.); PubMed 28733223 (cited by 3 submitters); PubMed 27239116 (cited by Genomenon, Inc and Eurofins Ntd Llc (ga)); PubMed 18395098 (cited by 5 submitters); PubMed 21490445 (cited by 5 submitters); PubMed 25383786 (cited by Natera, Inc.); PubMed 34016879 (cited by Women's Health and Genetics/Laboratory Corporation of America, LabCorp).